The following is an entry in ClinVar:

ClinVar aggregate classification (germline): Uncertain significance. Review status: criteria provided, multiple submitters, no conflicts (2 of 4 stars). 2 submissions from 2 submitters: Uncertain significance (2). Last evaluated 2023-12-28.

Conditions:
Idiopathic generalized epilepsy. Also called: Generalised epilepsy; EIG. Identifiers: MedGen C0270850, MONDO:0005579, OMIM 600669.
Hyperaldosteronism, familial, type IV (HALD4). Also called: FH IV; ALDOSTERONISM, PRIMARY, AND HYPERTENSION. Identifiers: Orphanet 642671, MedGen C4310756, MONDO:0014875, OMIM 617027.
Epilepsy, childhood absence, susceptibility to, 6. Identifiers: Orphanet 64280, MedGen C2749872, MONDO:0012763, OMIM 611942.

Allele frequency attached by ClinVar (database versions not stated): TOPMed below 0.00001.

Submissions (2):

Fulgent Genetics
Classification: Uncertain significance for Epilepsy, childhood absence, susceptibility to, 6; Hyperaldosteronism, familial, type IV. Last evaluated: 2023-12-28. Review status: criteria provided, single submitter. Criteria: ACMG Guidelines, 2015. Collection method: clinical testing. Allele origin: germline.

Labcorp Genetics (formerly Invitae), Labcorp
Classification: Uncertain significance for Idiopathic generalized epilepsy; Hyperaldosteronism, familial, type IV. Last evaluated: 2021-11-23. Review status: criteria provided, single submitter. Criteria: Invitae Variant Classification Sherloc (09022015). Collection method: clinical testing. Allele origin: germline.
Comment: In summary, the available evidence is currently insufficient to determine the role of this variant in disease. Therefore, it has been classified as a Variant of Uncertain Significance. Advanced modeling of protein sequence and biophysical properties (such as structural, functional, and spatial information, amino acid conservation, physicochemical variation, residue mobility, and thermodynamic stability) performed at Invitae indicates that this missense variant is not expected to disrupt CACNA1H protein function. This variant has not been reported in the literature in individuals affected with CACNA1H-related conditions. This variant is not present in population databases (gnomAD no frequency). This sequence change replaces alanine, which is neutral and non-polar, with valine, which is neutral and non-polar, at codon 553 of the CACNA1H protein (p.Ala553Val).

NM_021098.3(CACNA1H):c.1658C>T (p.Ala553Val)

Gene: CACNA1H (calcium voltage-gated channel subunit alpha1 H; plus strand). Cytogenetic location: 16p13.3.
Variant type: single nucleotide variant.
Coding change: c.1658C>T on transcript NM_021098.3 (MANE Select); coding-DNA position 1658, C replaced by T.
Protein change: p.Ala553Val; replaces alanine 553 with valine.
Molecular consequence: missense variant.
Genome position (GRCh38, 1-based): chr16:1,202,108, C>T. VCF-style: chr16-1202108-C-T. GRCh37 (hg19) VCF-style: chr16-1252108-C-T.
Other names: c.1658C>T, p.Ala553Val (NM_001005407.2); short protein forms A553V.
Identifiers: ClinVar variation 1353206 (VCV001353206.7), dbSNP rs1249878702, ClinGen allele CA394161818.